The following is an entry in ClinVar:

NM_003718.5(CDK13):c.695_703dup (p.Arg234_His235insArgSerArg)

Gene: CDK13 (cyclin dependent kinase 13; plus strand). Cytogenetic location: 7p14.1.
Variant type: Duplication.
Coding change: c.695_703dup on transcript NM_003718.5 (MANE Select); coding-DNA positions 695 to 703, 9 bases duplicated (GCAGCCGCC; older notation c.695_703dupGCAGCCGCC).
Protein change: p.Arg234_His235insArgSerArg.
Molecular consequence: inframe indel (on NM_031267.4).
Genome position (GRCh38, 1-based): chr7:39,951,336-39,951,344, GCAGCCGCC duplicated; duplicating any 9 consecutive bases within chr7:39,951,334-39,951,344 gives the same sequence; the c. name uses the placement nearest the transcript's 3' end. VCF-style (leftmost placement, unchanged base first): chr7-39951333-C-CCCGCAGCCG. GRCh37 (hg19) VCF-style: chr7-39990932-C-CCCGCAGCCG.
Other names: c.695_703dup, p.Arg234_His235insArgSerArg (NM_031267.4).
Identifiers: ClinVar variation 4766942 (VCV004766942.1).
Genomic context (GRCh38, chr7:39,951,333, plus strand): 5'-AGCGCCACCGCGAGCACCGGCGGCGGGATGGGCAGCGCGGTGGCAGCGAGGCCTCCAAGT[C>CCCGCAGCCG]CCGCAGCCGCCACAGCCACAGCGGCGAGGAACGGGCCGAGGTCGCCAAGAGCGGCAGCAG-3'

ClinVar aggregate classification (germline): Uncertain significance (1 of 4 stars; one submission).

Submission:

Labcorp Genetics (formerly Invitae), Labcorp
Classification: Uncertain significance. Last evaluated: 2025-09-10. Review status: criteria provided, single submitter. Criteria: Invitae Variant Classification Sherloc (09022015). Collection method: clinical testing. Allele origin: germline.
Comment: This variant, c.695_703dup, results in the insertion of 3 amino acid(s) of the CDK13 protein (p.Arg232_Arg234dup), but otherwise preserves the integrity of the reading frame. This variant is not present in population databases (gnomAD no frequency). This variant has not been reported in the literature in individuals affected with CDK13-related conditions. In summary, the available evidence is currently insufficient to determine the role of this variant in disease. Therefore, it has been classified as a Variant of Uncertain Significance.